The following is an entry in ClinVar:

ClinVar aggregate classification (germline): Likely benign (1 of 4 stars; one submission).

Conditions:
HTR2C-related disorder. Also called: HTR2C-related condition.

Submission:

PreventionGenetics, part of Exact Sciences
Classification: Likely benign for HTR2C-related condition. Last evaluated: 2025-11-14. Review status: criteria provided, single submitter. Criteria: ACMG Guidelines, 2015. Collection method: clinical testing. Allele origin: germline.
Comment: This variant is classified as likely benign based on ACMG/AMP sequence variant interpretation guidelines (Richards et al. 2015 PMID: 25741868, with internal and published modifications).

NM_000868.4(HTR2C):c.96T>C (p.Ala32=)

Gene: HTR2C (5-hydroxytryptamine receptor 2C; plus strand). Cytogenetic location: Xq23.
Variant type: single nucleotide variant.
Coding change: c.96T>C on transcript NM_000868.4 (MANE Select); coding-DNA position 96, T replaced by C.
Protein change: p.Ala32=; no amino-acid change (alanine 32 retained).
Molecular consequence: synonymous variant.
Genome position (GRCh38, 1-based): chrX:114,731,354, T>C. VCF-style: chrX-114731354-T-C. GRCh37 (hg19) VCF-style: chrX-113965763-T-C.
Other names: c.96T>C, p.Ala32= (NM_001256760.3, NM_001256761.3).
Identifiers: ClinVar variation 4987269 (VCV004987269.1).